The following is an entry in ClinVar:

ClinVar aggregate classification (germline): Likely pathogenic (1 of 4 stars; one submission).

Conditions:
Colorectal cancer. Also called: Colorectal cancer, somatic; Malignant Colorectal Neoplasm. Identifiers: MedGen C0346629, MONDO:0005575, OMIM 114500.
Gastric cancer. Also called: Stomach cancer; Malignant tumor of stomach. Identifiers: MedGen C0024623, MeSH D013274, MONDO:0001056, OMIM 613659, HP:0012126.
Hepatocellular carcinoma (HCC). Also called: Primary carcinoma of liver; HEPATOMA; LIVER CELL CARCINOMA. Identifiers: Orphanet 88673, MedGen C2239176, MONDO:0007256, OMIM 114550, HP:0001402.
Gastric adenocarcinoma and proximal polyposis of the stomach (GAPPS). Also called: Gastric Adenocarcinoma and Proximal Polyposis of the Stomach (GAPPS); Polyposis, gastric, Dos Santos and de Magalhaes 1980; POLYPOSIS, GASTRIC. Identifiers: Orphanet 314022, MedGen C4749917, MONDO:0017790, OMIM 619182.
Desmoid disease, hereditary (DESMD). Also called: FIBROMATOSIS, FAMILIAL INFILTRATIVE. Identifiers: Orphanet 873, MedGen C1851124, OMIM 135290. Disease mechanism: loss of function.
Familial adenomatous polyposis 1 (FAP1). Also called: FAMILIAL ADENOMATOUS POLYPOSIS 1, ATTENUATED; POLYPOSIS, ADENOMATOUS INTESTINAL. Identifiers: MedGen C2713442, MONDO:0021056, OMIM 175100. Disease mechanism: loss of function.

Submission:

Juno Genomics, Hangzhou Juno Genomics, Inc
Classification: Likely pathogenic for Familial adenomatous polyposis 1; Colorectal cancer; Desmoid disease, hereditary; Gastric adenocarcinoma and proximal polyposis of the stomach; Gastric cancer; Hepatocellular carcinoma. Review status: criteria provided, single submitter. Criteria: ACMG Guidelines, 2015. Collection method: clinical testing. Allele origin: germline. Affected: yes.
Comment: Absent from controls (or at extremely low frequency if recessive) in Genome Aggregation Database, Exome Sequencing Project, 1000 Genomes Project, or Exome Aggregation Consortium.;Null variant in a gene where loss of function (LOF) is a known mechanism of disease.;Patient's phenotype or family history is highly specific for a disease with a single genetic etiology.

NM_000038.6(APC):c.2206A>T (p.Lys736Ter)

Gene: APC (APC regulator of Wnt signaling pathway; plus strand). Cytogenetic location: 5q22.2.
Variant type: single nucleotide variant.
Coding change: c.2206A>T on transcript NM_000038.6 (MANE Select); coding-DNA position 2206, A replaced by T.
Protein change: p.Lys736Ter; replaces lysine 736 with a stop codon.
Molecular consequence: nonsense. On other transcripts: non-coding transcript variant (2).
Genome position (GRCh38, 1-based): chr5:112,837,800, A>T. VCF-style: chr5-112837800-A-T. GRCh37 (hg19) VCF-style: chr5-112173497-A-T.
Other names: c.2206A>T, p.Lys736Ter (NM_001127510.3, NM_001354895.2, NM_001407450.1); c.2152A>T, p.Lys718Ter (NM_001127511.3); c.2260A>T, p.Lys754Ter (NM_001354896.2, NM_001407447.1, NM_001407448.1 and 1 more transcripts); c.2236A>T, p.Lys746Ter (NM_001354897.2); c.2185A>T, p.Lys729Ter (NM_001407451.1); c.2176A>T, p.Lys726Ter (NM_001407452.1); c.2029A>T, p.Lys677Ter (NM_001407453.1, NM_001354901.2); c.1957A>T, p.Lys653Ter (NM_001407454.1, NM_001407455.1, NM_001407456.1 and 1 more transcripts); and 11 more; short protein forms K352*, K453*, K576*, K607*, K610*, K635*, K645*, K653*.
Identifiers: ClinVar variation 3382320 (VCV003382320.2).
Genomic context (GRCh38, chr5:112,837,800, plus strand): 5'-AAAATGATTGCTATGGGAAGTGCTGCAGCTTTAAGGAATCTCATGGCAAATAGGCCTGCG[A>T]AGTACAAGGATGCCAATATTATGTCTCCTGGCTCAAGCTTGCCATCTCTTCATGTTAGGA-3'